The following is an entry in ClinVar:

ClinVar aggregate classification (germline): Pathogenic (1 of 4 stars; one submission).

Conditions:
Ehlers-Danlos syndrome, dermatosparaxis type. Also called: EDS VIIC; Dermatosparaxis; Ehlers-Danlos syndrome, type VII, autosomal recessive. Identifiers: Orphanet 1901, MedGen C2700425, MONDO:0009161, OMIM 225410.

Submission:

Myriad Genetics, Inc.
Classification: Pathogenic for Ehlers-Danlos syndrome, dermatosparaxis type. Last evaluated: 2024-05-14. Review status: criteria provided, single submitter. Criteria: Myriad Autosomal Dominant, Autosomal Recessive and X-Linked Classification Criteria (2023). Collection method: clinical testing. Allele origin: unknown.
Comment: NM_014244.4(ADAMTS2):c.73_74ins7(P25Lfs*43) is expected to be pathogenic in the context of Ehlers-Danlos syndrome, ADAMTS2-related. This variant is predicted to lead to an abnormal or absent protein product due to the creation of a premature termination codon in ADAMTS2, a gene where loss-of-function variants are known to be pathogenic. Please note: this variant was assessed in the context of healthy population screening.

NM_014244.5(ADAMTS2):c.73_74insTGAGTGT (p.Pro25fs)

Gene: ADAMTS2 (ADAM metallopeptidase with thrombospondin type 1 motif 2; minus strand). Cytogenetic location: 5q35.3.
Variant type: Insertion.
Coding change: c.73_74insTGAGTGT on transcript NM_014244.5 (MANE Select); coding-DNA positions 73 to 74, TGAGTGT inserted.
Protein change: p.Pro25fs; shifts the reading frame from proline 25.
Molecular consequence: frameshift variant.
Genome position: GRCh38 VCF-style: chr5-179345255-G-GACACTCA. GRCh37 (hg19) VCF-style: chr5-178772256-G-GACACTCA.
Other names: c.73_74insTGAGTGT, p.Pro25fs (NM_021599.4); short protein forms P25fs.
Identifiers: ClinVar variation 5010953 (VCV005010953.1).